The following is an entry in ClinVar:

NM_013266.4(CTNNA3):c.1205C>A (p.Ala402Asp)

Gene: CTNNA3 (catenin alpha 3; minus strand). Cytogenetic location: 10q21.3.
Variant type: single nucleotide variant.
Coding change: c.1205C>A on transcript NM_013266.4 (MANE Select); coding-DNA position 1205, C replaced by A.
Protein change: p.Ala402Asp; replaces alanine 402 with aspartic acid.
Molecular consequence: missense variant.
Genome position (GRCh38, 1-based): chr10:66,766,340, G>T on the plus strand (C>A on the coding strand, the complement: CTNNA3 is on the minus strand). VCF-style: chr10-66766340-G-T. GRCh37 (hg19) VCF-style: chr10-68526098-G-T.
Other names: c.1205C>A, p.Ala402Asp (NM_001127384.3); short protein forms A402D.
Identifiers: ClinVar variation 1056136 (VCV001056136.9), dbSNP rs1352266937, ClinGen allele CA377091937.

ClinVar aggregate classification (germline): Uncertain significance (1 of 4 stars; one submission).

Conditions:
Arrhythmogenic right ventricular dysplasia 13. Also called: ARRHYTHMOGENIC RIGHT VENTRICULAR CARDIOMYOPATHY 13; Arrhythmogenic right ventricular dysplasia, familial, 13. Identifiers: MedGen C3810138, MONDO:0000908, OMIM 615616.

gnomAD v4.1: 10 of 1,613,608 alleles (0.00062%); highest among the groups gnomAD compares: Non-Finnish European, 0.00085%; no homozygotes.

Submission:

Labcorp Genetics (formerly Invitae), Labcorp
Classification: Uncertain significance for Arrhythmogenic right ventricular dysplasia 13. Last evaluated: 2020-03-10. Review status: criteria provided, single submitter. Criteria: Invitae Variant Classification Sherloc (09022015). Collection method: clinical testing. Allele origin: germline.
Comment: This variant is not present in population databases (ExAC no frequency). In summary, the available evidence is currently insufficient to determine the role of this variant in disease. Therefore, it has been classified as a Variant of Uncertain Significance. Algorithms developed to predict the effect of missense changes on protein structure and function are either unavailable or do not agree on the potential impact of this missense change (SIFT: "Deleterious"; PolyPhen-2: "Probably Damaging"; Align-GVGD: "Class C0"). This variant has not been reported in the literature in individuals with CTNNA3-related conditions. This sequence change replaces alanine with aspartic acid at codon 402 of the CTNNA3 protein (p.Ala402Asp). The alanine residue is highly conserved and there is a moderate physicochemical difference between alanine and aspartic acid.